The following is an entry in ClinVar:

NM_000551.4(VHL):c.258C>G (p.Pro86=)

Gene: VHL (von Hippel-Lindau tumor suppressor; plus strand). Cytogenetic location: 3p25.3.
Variant type: single nucleotide variant.
Coding change: c.258C>G on transcript NM_000551.4 (MANE Select); coding-DNA position 258, C replaced by G.
Protein change: p.Pro86=; no amino-acid change (proline 86 retained).
Molecular consequence: synonymous variant.
Genome position (GRCh38, 1-based): chr3:10,142,105, C>G. VCF-style: chr3-10142105-C-G. GRCh37 (hg19) VCF-style: chr3-10183789-C-G.
Other names: c.258C>G, p.Pro86= (NM_001354723.2, NM_198156.3).
Identifiers: ClinVar variation 238104 (VCV000238104.40), dbSNP rs781063331, ClinGen allele CA040037.

ClinVar aggregate classification (germline): Benign/Likely benign. Review status: criteria provided, multiple submitters, no conflicts (2 of 4 stars). 11 submissions from 11 submitters: Benign (1); Likely benign (8). 2 of the submissions do not count toward it. Last evaluated 2025-12-24.

Conditions:
VHL-related disorder. Also called: VHL-related condition.
Von Hippel-Lindau syndrome (VHLS). Also called: von Hippel–Lindau syndrome; VHL syndrome; Von Hippel-Lindau. Identifiers: Orphanet 892, MedGen C0019562, MONDO:0008667, OMIM 193300. Disease mechanism: loss of function.
Chuvash polycythemia. Also called: POLYCYTHEMIA, VHL-DEPENDENT. Identifiers: Orphanet 238557, MedGen C1837915, MONDO:0009892, OMIM 263400.
Hereditary cancer-predisposing syndrome. Also called: Tumor predisposition; Hereditary Cancer Syndrome; Neoplastic Syndromes, Hereditary; Hereditary neoplastic syndrome. Identifiers: Orphanet 140162, MedGen C0027672, MeSH D009386, MONDO:0015356.

Allele frequency attached by ClinVar (database versions not stated): TOPMed 0.00003; gnomAD 0.00001.
gnomAD v4.1: 44 of 1,603,190 alleles (0.0027%); highest among the groups gnomAD compares: African/African-American, 0.0093%; no homozygotes.

Submissions (11):

Labcorp Genetics (formerly Invitae), Labcorp
Classification: Likely benign for Von Hippel-Lindau syndrome; Chuvash polycythemia. Last evaluated: 2025-12-24. Review status: criteria provided, single submitter. Criteria: Invitae Variant Classification Sherloc (09022015). Collection method: clinical testing. Allele origin: germline.

Myriad Genetics, Inc.
Classification: Benign for Von Hippel-Lindau syndrome. Last evaluated: 2025-06-10. Review status: criteria provided, single submitter. Criteria: Myriad Autosomal Dominant, Autosomal Recessive and X-Linked Classification Criteria (2023). Collection method: clinical testing. Allele origin: unknown.
Comment: This variant is considered benign. This variant is a silent/synonymous amino acid change and it is not expected to impact splicing.

CeGaT Center for Human Genetics Tuebingen
Classification: Likely benign. Last evaluated: 2024-06-01. Review status: criteria provided, single submitter. Criteria: CeGaT Center For Human Genetics Tuebingen Variant Classification Criteria Version 2. Collection method: clinical testing. Allele origin: germline. Affected: yes. Observed: 1 variant allele.
Comment: VHL: BP4, BP7

All of Us Research Program, National Institutes of Health
Classification: Likely benign for Von Hippel-Lindau syndrome. Last evaluated: 2023-12-18. Review status: criteria provided, single submitter. Criteria: ACMG Guidelines, 2015. Collection method: clinical testing. Allele origin: germline. Inheritance: Autosomal dominant inheritance. Observed: 7 variant alleles, 7 heterozygotes.
Comment: This variant is located in the VHL protein. To our knowledge, functional studies have not been reported for this variant. This variant has not been reported in individuals affected with VHL-related disorders in the literature. This variant has been identified in 8/227710 chromosomes in the general population by the Genome Aggregation Database (gnomAD). The available evidence is insufficient to determine the role of this variant in disease conclusively. Therefore, this variant is classified as a Variant of Uncertain Significance.

This study involves interpretation of variants in research participants for the purpose of population health screening. Participant phenotype was not available at the time of variant classification. Additional details can be found in publication PMID: 35346344, PMCID: PMC8962531

Color Diagnostics, LLC DBA Color Health
Classification: Likely benign for Von Hippel-Lindau syndrome. Last evaluated: 2023-12-12. Review status: criteria provided, single submitter. Criteria: ACMG Guidelines, 2015. Collection method: clinical testing. Allele origin: germline.

Quest Diagnostics Nichols Institute San Juan Capistrano
Classification: Likely benign. Last evaluated: 2022-12-09. Review status: criteria provided, single submitter. Criteria: Quest Diagnostics criteria. Collection method: clinical testing. Allele origin: unknown.

Sema4
Classification: Likely benign for Hereditary cancer-predisposing syndrome. Last evaluated: 2020-11-18. Review status: criteria provided, single submitter. Criteria: Sema4 Curation Guidelines. Collection method: curation. Allele origin: germline.

GeneDx
Classification: Likely benign. Last evaluated: 2018-09-21. Review status: criteria provided, single submitter. Criteria: GeneDx Variant Classification Process June 2021. Collection method: clinical testing. Allele origin: germline. Affected: yes.

Ambry Genetics
Classification: Likely benign for Hereditary cancer-predisposing syndrome. Last evaluated: 2016-05-17. Review status: criteria provided, single submitter. Criteria: Ambry Variant Classification Scheme 2023. Collection method: clinical testing. Allele origin: germline.

PreventionGenetics, part of Exact Sciences
Classification: Likely benign for VHL-related condition. Last evaluated: 2024-08-02. Review status: no assertion criteria provided. Collection method: clinical testing. Allele origin: germline. Not counted in ClinVar's aggregate classification.
Comment: This variant is classified as likely benign based on ACMG/AMP sequence variant interpretation guidelines (Richards et al. 2015 PMID: 25741868, with internal and published modifications).

Counsyl
Classification: Likely benign for Von Hippel-Lindau syndrome. Last evaluated: 2017-02-03. Review status: no assertion criteria provided. Collection method: clinical testing. Allele origin: unknown. Not counted in ClinVar's aggregate classification.